The following is an entry in ClinVar:

ClinVar aggregate classification (germline): Pathogenic/Likely pathogenic. Review status: criteria provided, multiple submitters, no conflicts (2 of 4 stars). 2 submissions from 2 submitters: Pathogenic (1); Likely pathogenic (1). Last evaluated 2023-10-25.

Conditions:
Fanconi anemia (FA). Also called: Fanconi's anemia. Identifiers: Orphanet 84, MedGen C0015625, MeSH D005199, MONDO:0019391.

Allele frequency attached by ClinVar (database versions not stated): gnomAD exomes below 0.00001 and 0.00001; ExAC 0.00001; ESP Exome Variant Server 0.00008.
gnomAD v4.1: 6 of 1,613,594 alleles (0.00037%); highest among the groups gnomAD compares: South Asian, 0.0011%; no homozygotes.

Submissions (2):

GeneDx
Classification: Likely pathogenic. Last evaluated: 2023-10-25. Review status: criteria provided, single submitter. Criteria: GeneDx Variant Classification Process June 2021. Collection method: clinical testing. Allele origin: germline. Affected: yes.
Comment: Nonsense variant predicted to result in protein truncation or nonsense mediated decay in a gene for which loss of function is a known mechanism of disease; Not observed at significant frequency in large population cohorts (gnomAD); Observed in a patient with breast cancer (PMID: 37444426); This variant is associated with the following publications: (PMID: 37444426)

Labcorp Genetics (formerly Invitae), Labcorp
Classification: Pathogenic for Fanconi anemia. Last evaluated: 2022-11-15. Review status: criteria provided, single submitter. Criteria: Invitae Variant Classification Sherloc (09022015). Collection method: clinical testing. Allele origin: germline.
Comment: This variant is present in population databases (rs140760056, gnomAD 0.003%). This sequence change creates a premature translational stop signal (p.Arg573*) in the FANCM gene. It is expected to result in an absent or disrupted protein product. Loss-of-function variants in FANCM are known to be pathogenic (PMID: 29895858, 30075111). For these reasons, this variant has been classified as Pathogenic. ClinVar contains an entry for this variant (Variation ID: 1451306). This variant has not been reported in the literature in individuals affected with FANCM-related conditions.

Literature cited by the submitters: PubMed 29895858 (cited by Labcorp Genetics (formerly Invitae), Labcorp); PubMed 30075111 (cited by Labcorp Genetics (formerly Invitae), Labcorp).

NM_020937.4(FANCM):c.1717C>T (p.Arg573Ter)

Gene: FANCM (FA complementation group M; plus strand). Cytogenetic location: 14q21.2.
Variant type: single nucleotide variant.
Coding change: c.1717C>T on transcript NM_020937.4 (MANE Select); coding-DNA position 1717, C replaced by T.
Protein change: p.Arg573Ter; replaces arginine 573 with a stop codon.
Molecular consequence: nonsense.
Genome position (GRCh38, 1-based): chr14:45,164,494, C>T. VCF-style: chr14-45164494-C-T. GRCh37 (hg19) VCF-style: chr14-45633697-C-T.
Other names: c.1639C>T, p.Arg547Ter (NM_001308133.2); c.1717C>T, p.Arg573Ter (NM_001308134.2); c.1717C>T (NM_020937.2); short protein forms R573*, R547*.
Identifiers: ClinVar variation 1451306 (VCV001451306.7), dbSNP rs140760056, ClinGen allele CA7169132.
Genomic context (GRCh38, chr14:45,164,494, plus strand): 5'-GGAGAAGTTGATCTTATAATATGTTTTGATTCCCAGAAGAGCCCAATTCGTCTTGTACAA[C>T]GAATGGGTAGAACTGGCCGTAAACGTCAAGGCAGGATAGTTATTATCCTTTCTGAAGGAC-3'